The following is an entry in ClinVar:

ClinVar aggregate classification (germline): Uncertain significance. Review status: criteria provided, multiple submitters, no conflicts (2 of 4 stars). 3 submissions from 2 submitters: Uncertain significance (3). Last evaluated 2023-10-19.

Conditions:
Autosomal dominant familial hematuria-retinal arteriolar tortuosity-contractures syndrome. Also called: Hereditary Angiopathy with Nephropathy, Aneurysms, and Muscle Cramps (HANAC) Syndrome; Angiopathy, hereditary, with nephropathy, aneurysms, and muscle cramps. Identifiers: Orphanet 73229, MedGen C2673195, MONDO:0012726, OMIM 611773.
Brain small vessel disease 1 with or without ocular anomalies (BSVD1). Also called: GOULD SYNDROME 1; PORENCEPHALY, TYPE 1, AUTOSOMAL DOMINANT; BRAIN SMALL VESSEL DISEASE WITH HEMORRHAGE; Brain small vessel disease with or without ocular anomalies. Identifiers: Orphanet 2940, Orphanet 36383, Orphanet 99810, MedGen C4755307, MONDO:0008289, OMIM 175780.

Allele frequency attached by ClinVar (database versions not stated): TOPMed below 0.00001; gnomAD 0.00001; ExAC 0.00003; gnomAD exomes 0.00003.
gnomAD v4.1: 37 of 1,614,004 alleles (0.0023%); highest among the groups gnomAD compares: Non-Finnish European, 0.0031%; no homozygotes.

Submissions (3):

Labcorp Genetics (formerly Invitae), Labcorp
Classification: Uncertain significance. Last evaluated: 2023-10-19. Review status: criteria provided, single submitter. Criteria: Invitae Variant Classification Sherloc (09022015). Collection method: clinical testing. Allele origin: germline.
Comment: This sequence change replaces serine, which is neutral and polar, with isoleucine, which is neutral and non-polar, at codon 1110 of the COL4A1 protein (p.Ser1110Ile). This variant is present in population databases (rs774198019, gnomAD 0.005%). This variant has not been reported in the literature in individuals affected with COL4A1-related conditions. ClinVar contains an entry for this variant (Variation ID: 883215). An algorithm developed to predict the effect of missense changes on protein structure and function (PolyPhen-2) suggests that this variant is likely to be disruptive. In summary, the available evidence is currently insufficient to determine the role of this variant in disease. Therefore, it has been classified as a Variant of Uncertain Significance.

Illumina Laboratory Services, Illumina
Classification: Uncertain significance for Brain small vessel disease 1 with or without ocular anomalies. Last evaluated: 2018-01-12. Review status: criteria provided, single submitter. Criteria: ICSL Variant Classification Criteria 13 December 2019. Collection method: clinical testing. Allele origin: germline.

Illumina Laboratory Services, Illumina
Classification: Uncertain significance for Autosomal dominant familial hematuria-retinal arteriolar tortuosity-contractures syndrome. Last evaluated: 2018-01-12. Review status: criteria provided, single submitter. Criteria: ICSL Variant Classification Criteria 13 December 2019. Collection method: clinical testing. Allele origin: germline.

NM_001845.6(COL4A1):c.3329G>T (p.Ser1110Ile)

Gene: COL4A1 (collagen type IV alpha 1 chain; minus strand). Cytogenetic location: 13q34.
Variant type: single nucleotide variant.
Coding change: c.3329G>T on transcript NM_001845.6 (MANE Select); coding-DNA position 3329, G replaced by T.
Protein change: p.Ser1110Ile; replaces serine 1110 with isoleucine.
Molecular consequence: missense variant.
Genome position (GRCh38, 1-based): chr13:110,174,523, C>A on the plus strand (G>T on the coding strand, the complement: COL4A1 is on the minus strand). VCF-style: chr13-110174523-C-A. GRCh37 (hg19) VCF-style: chr13-110826870-C-A.
Other names: short protein forms S1110I.
Identifiers: ClinVar variation 883215 (VCV000883215.9), dbSNP rs774198019, ClinGen allele CA7047290.
Genomic context (GRCh38, chr13:110,174,523, plus strand): 5'-CCAGGGATGCCATCCAATCCTGGGAGGCCTTTGTCACCTTTTTCTCCAGGTAGCCCAGGA[C>A]TTCCTAAAGAAAAAAACAAAACACCAGAACATCCATAAGTTTGGGCTTTTCTTTGATTTC-3'
Protein context (NP_001836.3, residues 1100-1120): GSPGSVGYPG[Ser1110Ile]PGLPGEKGDK